The following is an entry in ClinVar:

NM_032043.3(BRIP1):c.592C>T (p.Pro198Ser)

Gene: BRIP1 (BRCA1 interacting DNA helicase 1; minus strand). Cytogenetic location: 17q23.2.
Variant type: single nucleotide variant.
Coding change: c.592C>T on transcript NM_032043.3 (MANE Select); coding-DNA position 592, C replaced by T.
Protein change: p.Pro198Ser; replaces proline 198 with serine.
Molecular consequence: missense variant.
Genome position (GRCh38, 1-based): chr17:61,847,136, G>A on the plus strand (C>T on the coding strand, the complement: BRIP1 is on the minus strand). VCF-style: chr17-61847136-G-A. GRCh37 (hg19) VCF-style: chr17-59924497-G-A.
Other names: short protein forms P198S.
Identifiers: ClinVar variation 4630882 (VCV004630882.1).

ClinVar aggregate classification (germline): Uncertain significance (1 of 4 stars; one submission).

Conditions:
Hereditary cancer-predisposing syndrome. Also called: Neoplastic Syndromes, Hereditary; Tumor predisposition; Hereditary Cancer Syndrome; Hereditary neoplastic syndrome. Identifiers: Orphanet 140162, MedGen C0027672, MeSH D009386, MONDO:0015356.

Submission:

Ambry Genetics
Classification: Uncertain significance for Hereditary cancer-predisposing syndrome. Last evaluated: 2025-10-15. Review status: criteria provided, single submitter. Criteria: Ambry Variant Classification Scheme 2023. Collection method: clinical testing. Allele origin: germline.
Comment: The p.P198S variant (also known as c.592C>T), located in coding exon 5 of the BRIP1 gene, results from a C to T substitution at nucleotide position 592. The proline at codon 198 is replaced by serine, an amino acid with similar properties. This amino acid position is well conserved in available vertebrate species; however, serine is the reference amino acid in other vertebrate species. In addition, this alteration is predicted to be tolerated by in silico analysis. Based on the available evidence, the clinical significance of this variant remains unclear.